The following is an entry in ClinVar:

ClinVar aggregate classification (germline): Uncertain significance. Review status: criteria provided, multiple submitters, no conflicts (2 of 4 stars). 2 submissions from 2 submitters: Uncertain significance (2). Last evaluated 2025-08-07.

gnomAD v4.1: 1 of 1,610,882 alleles (0.000062%); highest among the groups gnomAD compares: Non-Finnish European, 0.000085%; no homozygotes.

Submissions (2):

Labcorp Genetics (formerly Invitae), Labcorp
Classification: Uncertain significance. Last evaluated: 2025-08-07. Review status: criteria provided, single submitter. Criteria: Invitae Variant Classification Sherloc (09022015). Collection method: clinical testing. Allele origin: germline.
Comment: This sequence change replaces asparagine, which is neutral and polar, with lysine, which is basic and polar, at codon 2281 of the POLE protein (p.Asn2281Lys). This variant is not present in population databases (gnomAD no frequency). This variant has not been reported in the literature in individuals affected with POLE-related conditions. ClinVar contains an entry for this variant (Variation ID: 801270). An algorithm developed to predict the effect of missense changes on protein structure and function (PolyPhen-2) suggests that this variant is likely to be tolerated. In summary, the available evidence is currently insufficient to determine the role of this variant in disease. Therefore, it has been classified as a Variant of Uncertain Significance.

Quest Diagnostics Nichols Institute San Juan Capistrano
Classification: Uncertain significance. Last evaluated: 2019-01-24. Review status: criteria provided, single submitter. Criteria: Quest Diagnostics criteria. Collection method: clinical testing. Allele origin: germline.

NM_006231.4(POLE):c.6843C>G (p.Asn2281Lys)

Gene: POLE (DNA polymerase epsilon, catalytic subunit; minus strand). Cytogenetic location: 12q24.33.
Variant type: single nucleotide variant.
Coding change: c.6843C>G on transcript NM_006231.4 (MANE Select); coding-DNA position 6843, C replaced by G.
Protein change: p.Asn2281Lys; replaces asparagine 2281 with lysine.
Molecular consequence: missense variant.
Genome position (GRCh38, 1-based): chr12:132,624,715, G>C on the plus strand (C>G on the coding strand, the complement: POLE is on the minus strand). VCF-style: chr12-132624715-G-C. GRCh37 (hg19) VCF-style: chr12-133201301-G-C.
Other names: short protein forms N2281K.
Identifiers: ClinVar variation 801270 (VCV000801270.10), dbSNP rs1166482142, ClinGen allele CA387365594.